The following continues an entry in ClinVar:

NM_000257.4(MYH7):c.2167C>T (p.Arg723Cys)

Gene: MYH7. ClinVar aggregate classification (germline): Pathogenic. Pathogenic (1).

Submissions 17 to 27 of 27:

Fulgent Genetics
Classification: Pathogenic for MYH7-related skeletal myopathy; Myosin storage myopathy; Hypertrophic cardiomyopathy 1; Myopathy, myosin storage, autosomal recessive; Congenital myopathy 4A, autosomal dominant; Dilated cardiomyopathy 1S. Last evaluated: 2021-09-22. Review status: criteria provided, single submitter. Criteria: ACMG Guidelines, 2015. Collection method: clinical testing. Allele origin: unknown. Not counted in ClinVar's aggregate classification.

Laan Lab, Human Genetics Research Group, University of Tartu
Classification: Pathogenic for Hypertrophic cardiomyopathy 1. Last evaluated: 2021-05-01. Review status: criteria provided, single submitter. Criteria: ACMG Guidelines, 2015. Collection method: research. Allele origin: unknown. Observed: 1 variant allele, 1 heterozygote. Not counted in ClinVar's aggregate classification.

Laboratory for Molecular Medicine, Mass General Brigham Personalized Medicine
Classification: Pathogenic for Hypertrophic cardiomyopathy. Last evaluated: 2020-11-09. Review status: criteria provided, single submitter. Criteria: LMM Criteria. Collection method: clinical testing. Allele origin: germline. Inheritance: Autosomal dominant inheritance. Observed: 33 variant alleles. Not counted in ClinVar's aggregate classification.
Comment: proposed classification - variant undergoing re-assessment, contact laboratory

CENTOGENE GmbH and LLC - Guiding Precision Medicine
Classification: Pathogenic for Hypertrophic cardiomyopathy 1. Last evaluated: 2018-10-23. Review status: criteria provided, single submitter. Criteria: ACMG Guidelines, 2015. Collection method: clinical testing. Allele origin: germline. Affected: yes. Not counted in ClinVar's aggregate classification.

Stanford Center for Inherited Cardiovascular Disease, Stanford University
Classification: Pathogenic. Last evaluated: 2012-01-16. Review status: criteria provided, single submitter. Criteria: ACMG Guidelines, 2015. Collection method: provider interpretation. Allele origin: germline. Not counted in ClinVar's aggregate classification.

Agnes Ginges Centre for Molecular Cardiology, Centenary Institute
Classification: Pathogenic for Familial hypertrophic cardiomyopathy 1. Review status: criteria provided, single submitter. Criteria: Agnes Ginges Centre for Molecular Cardiology criteria (2015). Collection method: research. Allele origin: germline. Inheritance: Autosomal dominant inheritance. Affected: yes. Not counted in ClinVar's aggregate classification.
Comment: This MYH7 Arg723Cys variant has previously been identified in a small number of unrelated cases with HCM (see references). The variant was first reported as a de novo mutation (Watkins H, et al., 1992). Segregation analysis has shown this variant to segregate with disease with incomplete penetrance (Tesson F, et al., 1998; Richard P, et al., 2003; Girolami F, et al., 2010). Interestingly, Tesson F (1998) described monozygotic twins who carry this mutation where only one twin had left ventricular hypertrophy. We identified this mutation in 2 unrelated families (Ingles J, et al., 2005) and have shown this variant to segregate with disease (unpublished data). Based on existing reports and our data, we classify this variant as "pathogenic".

Institute for Medical Genetics and Human Genetics, Charité - Universitätsmedizin Berlin
Classification: Pathogenic. Review status: criteria provided, single submitter. Criteria: ACMG Guidelines, 2015. Collection method: not provided. Allele origin: germline. Affected: yes. Not counted in ClinVar's aggregate classification.

OMIM
Classification: Pathogenic for CARDIOMYOPATHY, FAMILIAL HYPERTROPHIC, 1. Last evaluated: 1992-11-01. Review status: no assertion criteria provided. Collection method: literature only. Allele origin: germline. Not counted in ClinVar's aggregate classification.

Clinical Genetics DNA and cytogenetics Diagnostics Lab, Erasmus MC, Erasmus Medical Center
Classification: Pathogenic. Review status: no assertion criteria provided. Collection method: clinical testing. Allele origin: germline. Affected: yes. Study: VKGL Data-share Consensus. Not counted in ClinVar's aggregate classification.

Diagnostic Laboratory, Department of Genetics, University Medical Center Groningen
Classification: Likely pathogenic. Review status: no assertion criteria provided. Collection method: clinical testing. Allele origin: germline. Affected: yes. Study: VKGL Data-share Consensus. Not counted in ClinVar's aggregate classification.

Joint Genome Diagnostic Labs from Nijmegen and Maastricht, Radboudumc and MUMC+
Classification: Pathogenic. Review status: no assertion criteria provided. Collection method: clinical testing. Allele origin: germline. Affected: yes. Study: VKGL Data-share Consensus. Not counted in ClinVar's aggregate classification.

Literature cited by the submitters: PubMed 16199542 (cited by 6 submitters); PubMed 12707239 (cited by 6 submitters); PubMed 1430197 (cited by 10 submitters); PubMed 20359594 (cited by 8 submitters); PubMed 9829907 (cited by 8 submitters); PubMed 27532257 (cited by 5 submitters); PubMed 29300372 (cited by 4 submitters); PubMed 12117842 (cited by 3 submitters); PubMed 25935763 (cited by 4 submitters); PubMed 29709087 (cited by 3 submitters); PubMed 21310275 (cited by Ambry Genetics); PubMed 24510615 (cited by Ambry Genetics); PubMed 25239116 (cited by Ambry Genetics); PubMed 27247418 (cited by Ambry Genetics); PubMed 27841901 (cited by Ambry Genetics); PubMed 7731997 (cited by 4 submitters); PubMed 11113006 (cited by 3billion); PubMed 29710196 (cited by Color Diagnostics, LLC DBA Color Health and All of Us Research Program, National Institutes of Health); PubMed 29875424 (cited by Color Diagnostics, LLC DBA Color Health and All of Us Research Program, National Institutes of Health); PubMed 31245010 (cited by Color Diagnostics, LLC DBA Color Health and All of Us Research Program, National Institutes of Health); PubMed 32481709 (cited by Color Diagnostics, LLC DBA Color Health and All of Us Research Program, National Institutes of Health); PubMed 32880476 (cited by Color Diagnostics, LLC DBA Color Health and All of Us Research Program, National Institutes of Health); PubMed 33495596 (cited by Color Diagnostics, LLC DBA Color Health and All of Us Research Program, National Institutes of Health); PubMed 33495597 (cited by Color Diagnostics, LLC DBA Color Health and All of Us Research Program, National Institutes of Health); PubMed 33673806 (cited by Color Diagnostics, LLC DBA Color Health and All of Us Research Program, National Institutes of Health); PubMed 34135346 (cited by Color Diagnostics, LLC DBA Color Health and All of Us Research Program, National Institutes of Health); PubMed 35384713 (cited by Color Diagnostics, LLC DBA Color Health and All of Us Research Program, National Institutes of Health); PubMed 35784482 (cited by Color Diagnostics, LLC DBA Color Health and All of Us Research Program, National Institutes of Health); PubMed 36843271 (cited by Color Diagnostics, LLC DBA Color Health and All of Us Research Program, National Institutes of Health); PubMed 38489124 (cited by Color Diagnostics, LLC DBA Color Health); PubMed 38757491 (cited by Color Diagnostics, LLC DBA Color Health); PubMed 39125703 (cited by Color Diagnostics, LLC DBA Color Health); PubMed 39260623 (cited by Color Diagnostics, LLC DBA Color Health); PubMed 39472908 (cited by Color Diagnostics, LLC DBA Color Health); PubMed 14563299 (cited by Women's Health and Genetics/Laboratory Corporation of America, LabCorp); PubMed 9202846 (cited by Women's Health and Genetics/Laboratory Corporation of America, LabCorp); PubMed 8541871 (cited by Women's Health and Genetics/Laboratory Corporation of America, LabCorp); PubMed 9835779 (cited by Women's Health and Genetics/Laboratory Corporation of America, LabCorp); PubMed 9742053 (cited by Women's Health and Genetics/Laboratory Corporation of America, LabCorp); PubMed 9140839 (cited by Women's Health and Genetics/Laboratory Corporation of America, LabCorp); PubMed 9503187 (cited by Women's Health and Genetics/Laboratory Corporation of America, LabCorp); PubMed 7546620 (cited by Women's Health and Genetics/Laboratory Corporation of America, LabCorp); PubMed 7612980 (cited by Women's Health and Genetics/Laboratory Corporation of America, LabCorp); PubMed 8282798 (cited by Women's Health and Genetics/Laboratory Corporation of America, LabCorp); PubMed 8533830 (cited by Women's Health and Genetics/Laboratory Corporation of America, LabCorp); PubMed 7815466 (cited by Women's Health and Genetics/Laboratory Corporation of America, LabCorp); PubMed 8196066 (cited by Women's Health and Genetics/Laboratory Corporation of America, LabCorp); PubMed 8375803 (cited by Women's Health and Genetics/Laboratory Corporation of America, LabCorp); PubMed 8180512 (cited by Women's Health and Genetics/Laboratory Corporation of America, LabCorp); PubMed 7713108 (cited by Women's Health and Genetics/Laboratory Corporation of America, LabCorp); PubMed 8194835 (cited by Women's Health and Genetics/Laboratory Corporation of America, LabCorp); PubMed 18533079 (cited by Women's Health and Genetics/Laboratory Corporation of America, LabCorp); PubMed 20819418 (cited by Women's Health and Genetics/Laboratory Corporation of America, LabCorp); PubMed 35535697 (cited by Laan Lab, Human Genetics Research Group, University of Tartu); PubMed 21835320 (cited by Laboratory for Molecular Medicine, Mass General Brigham Personalized Medicine); PubMed 23074333 (cited by Laboratory for Molecular Medicine, Mass General Brigham Personalized Medicine).